The following is an entry in ClinVar:

NM_018714.3(COG1):c.180C>G (p.Ile60Met)

Genes: COG1 (component of oligomeric golgi complex 1; plus strand), LOC130061576 (ATAC-STARR-seq lymphoblastoid active region 12690; plus strand). Cytogenetic location: 17q25.1.
Variant type: single nucleotide variant.
Coding change: c.180C>G on transcript NM_018714.3 (MANE Select); coding-DNA position 180, C replaced by G.
Protein change: p.Ile60Met; replaces isoleucine 60 with methionine.
Molecular consequence: missense variant.
Genome position (GRCh38, 1-based): chr17:73,193,249, C>G. VCF-style: chr17-73193249-C-G. GRCh37 (hg19) VCF-style: chr17-71189388-C-G.
Other names: c.180C>G (NM_018714.2); short protein forms I60M.
Identifiers: ClinVar variation 2144907 (VCV002144907.2), dbSNP rs371329302, ClinGen allele CA293797024.
Genomic context (GRCh38, chr17:73,193,249, plus strand): 5'-GATCGAGCACAAGAAGGAGGAGCTGCGGCAGATGGTGGGCGAACGGTACCGCGACCTGAT[C>G]GAGGCGGCCGACACCATCGGCCAGATGCGCCGCTGCGCCGTGGGGCTAGTGGACGCCGTG-3'
Protein context (NP_061184.1, residues 50-70): QMVGERYRDL[Ile60Met]EAADTIGQMR

ClinVar aggregate classification (germline): Uncertain significance. Review status: criteria provided, multiple submitters, no conflicts (2 of 4 stars). 2 submissions from 2 submitters: Uncertain significance (2). Last evaluated 2024-04-04.

Conditions:
Inborn genetic diseases. Identifiers: MedGen C0950123, MeSH D030342.
COG1 congenital disorder of glycosylation (CDG2G). Also called: CONGENITAL DISORDER OF GLYCOSYLATION, TYPE IIg; CDG IIg; CDGII/COG1 CEREBROCOSTOMANDIBULAR-LIKE SYNDROME. Identifiers: Orphanet 263508, MedGen C2931011, MONDO:0012637, OMIM 611209.

Allele frequency attached by ClinVar (database versions not stated): gnomAD 0.00004; TOPMed 0.00004; ESP Exome Variant Server 0.00008.
gnomAD v4.1: 12 of 1,607,722 alleles (0.00075%); highest among the groups gnomAD compares: African/African-American, 0.0094%; no homozygotes.

Submissions (2):

Ambry Genetics
Classification: Uncertain significance for Inborn genetic diseases. Last evaluated: 2024-04-04. Review status: criteria provided, single submitter. Criteria: Ambry Variant Classification Scheme 2023. Collection method: clinical testing. Allele origin: germline.

Labcorp Genetics (formerly Invitae), Labcorp
Classification: Uncertain significance for COG1 congenital disorder of glycosylation. Last evaluated: 2022-03-13. Review status: criteria provided, single submitter. Criteria: Invitae Variant Classification Sherloc (09022015). Collection method: clinical testing. Allele origin: germline.
Comment: This sequence change replaces isoleucine, which is neutral and non-polar, with methionine, which is neutral and non-polar, at codon 60 of the COG1 protein (p.Ile60Met). This variant is present in population databases (rs371329302, gnomAD 0.009%). This variant has not been reported in the literature in individuals affected with COG1-related conditions. Algorithms developed to predict the effect of missense changes on protein structure and function are either unavailable or do not agree on the potential impact of this missense change (SIFT: "Deleterious"; PolyPhen-2: "Possibly Damaging"; Align-GVGD: "Class C0"). In summary, the available evidence is currently insufficient to determine the role of this variant in disease. Therefore, it has been classified as a Variant of Uncertain Significance.